The following is an entry in ClinVar:

ClinVar aggregate classification (germline): Uncertain significance (1 of 4 stars; one submission).

Conditions:
Cardiovascular phenotype. Identifiers: MedGen CN230736.

gnomAD v4.1: 3 of 1,614,214 alleles (0.00019%); highest among the groups gnomAD compares: South Asian, 0.0022%; no homozygotes.

Submission:

Ambry Genetics
Classification: Uncertain significance for Cardiovascular phenotype. Last evaluated: 2024-07-14. Review status: criteria provided, single submitter. Criteria: Ambry Variant Classification Scheme 2023. Collection method: clinical testing. Allele origin: germline.
Comment: The p.D256N variant (also known as c.766G>A), located in coding exon 8 of the LDLRAP1 gene, results from a G to A substitution at nucleotide position 766. The aspartic acid at codon 256 is replaced by asparagine, an amino acid with highly similar properties. This amino acid position is conserved. In addition, this alteration is predicted to be tolerated by in silico analysis. Based on the available evidence, the clinical significance of this variant remains unclear.

NM_015627.3(LDLRAP1):c.766G>A (p.Asp256Asn)

Gene: LDLRAP1 (low density lipoprotein receptor adaptor protein 1; plus strand). Cytogenetic location: 1p36.11.
Variant type: single nucleotide variant.
Coding change: c.766G>A on transcript NM_015627.3 (MANE Select); coding-DNA position 766, G replaced by A.
Protein change: p.Asp256Asn; replaces aspartic acid 256 with asparagine.
Molecular consequence: missense variant.
Genome position (GRCh38, 1-based): chr1:25,565,191, G>A. VCF-style: chr1-25565191-G-A. GRCh37 (hg19) VCF-style: chr1-25891682-G-A.
Other names: short protein forms D256N.
Identifiers: ClinVar variation 3537764 (VCV003537764.1).